The following is an entry in ClinVar:

ClinVar aggregate classification (germline): Uncertain significance (1 of 4 stars; one submission).

Submission:

GeneDx
Classification: Uncertain significance. Last evaluated: 2025-05-01. Review status: criteria provided, single submitter. Criteria: GeneDx Variant Classification Process June 2021. Collection method: clinical testing. Allele origin: germline. Affected: yes.
Comment: Not observed at significant frequency in large population cohorts (gnomAD); In silico analysis supports a deleterious effect on splicing; Has not been previously published as pathogenic or benign to our knowledge

NM_020987.5(ANK3):c.3845+3A>G

Gene: ANK3 (ankyrin 3; minus strand). Cytogenetic location: 10q21.2.
Variant type: single nucleotide variant.
Coding change: c.3845+3A>G on transcript NM_020987.5 (MANE Select); 3 bases into the intron after coding-DNA position 3845, A replaced by G.
Molecular consequence: intron variant.
Genome position (GRCh38, 1-based): chr10:60,085,154, T>C on the plus strand (A>G on the coding strand, the complement: ANK3 is on the minus strand). VCF-style: chr10-60085154-T-C. GRCh37 (hg19) VCF-style: chr10-61844912-T-C.
Other names: c.3827+3A>G (NM_001204403.2); c.3848+3A>G (NM_001204404.2); c.3845+3A>G (NM_001320874.2); c.1247+3A>G (NM_001149.4).
Identifiers: ClinVar variation 4527074 (VCV004527074.1).
Genomic context (GRCh38, chr10:60,085,154, plus strand): 5'-TACTTTCCAAAAGGTAATAAAAACTAATTCCTTACTGCTTTTTGGAATCCTTTATTTCCA[T>C]ACCTGGCTGAAACATTGGTTGTAAAGGAGACACAATCTTTTATAAACGTCAAAGGAGTTG-3'